The following is an entry in ClinVar:

ClinVar aggregate classification (germline): Uncertain significance. Review status: criteria provided, multiple submitters, no conflicts (2 of 4 stars). 3 submissions from 3 submitters: Uncertain significance (2). 1 of the submissions does not count toward it. Last evaluated 2022-06-08.

Conditions:
Inborn genetic diseases. Identifiers: MedGen C0950123, MeSH D030342.
Propionic acidemia (PROP). Also called: GLYCINEMIA, KETOTIC; HYPERGLYCINEMIA WITH KETOACIDOSIS AND LEUKOPENIA; KETOTIC HYPERGLYCINEMIA. Identifiers: Orphanet 35, MedGen C0268579, MONDO:0011628, OMIM 606054, HP:0003571.

Submissions (3):

Labcorp Genetics (formerly Invitae), Labcorp
Classification: Uncertain significance for Propionic acidemia. Last evaluated: 2022-06-08. Review status: criteria provided, single submitter. Criteria: Invitae Variant Classification Sherloc (09022015). Collection method: clinical testing. Allele origin: germline.
Comment: This variant, c.611_613del, results in the deletion of 1 amino acid(s) of the PCCA protein (p.Glu204del), but otherwise preserves the integrity of the reading frame. This variant is present in population databases (rs750672608, gnomAD 0.09%). This variant has not been reported in the literature in individuals affected with PCCA-related conditions. ClinVar contains an entry for this variant (Variation ID: 550137). Experimental studies and prediction algorithms are not available or were not evaluated, and the functional significance of this variant is currently unknown. In summary, the available evidence is currently insufficient to determine the role of this variant in disease. Therefore, it has been classified as a Variant of Uncertain Significance.

Ambry Genetics
Classification: Uncertain significance for Inborn genetic diseases. Last evaluated: 2022-05-09. Review status: criteria provided, single submitter. Criteria: Ambry Variant Classification Scheme 2023. Collection method: clinical testing. Allele origin: germline.
Comment: The c.611_613delAAG (p.E204del) alteration is located in exon 8 (coding exon 8) of the PCCA gene. This alteration consists of an in-frame deletion of 3 nucleotides between nucleotide positions c.611 and c.613, resulting in the deletion of 1 residue. Based on insufficient or conflicting evidence, the clinical significance of this alteration remains unclear.

Counsyl
Classification: Uncertain significance for Propionic acidemia. Last evaluated: 2017-01-05. Review status: no assertion criteria provided. Collection method: clinical testing. Allele origin: unknown. Not counted in ClinVar's aggregate classification.

NM_000282.4(PCCA):c.608AAG[1] (p.Glu204del)

Gene: PCCA (propionyl-CoA carboxylase subunit alpha; plus strand). Cytogenetic location: 13q32.3.
Variant type: Microsatellite.
Coding change: c.608AAG[1] on transcript NM_000282.4 (MANE Select); one copy of the 3-base unit AAG starting at c.608; the reference has two copies in a row; one copy, 3 bases deleted.
Protein change: p.Glu204del; deletes glutamic acid 204.
Molecular consequence: inframe deletion. On other transcripts: 5 prime UTR variant (3), non-coding transcript variant (5).
Genome position (GRCh38, 1-based): chr13:100,235,852-100,235,854, AAG deleted; deleting any 3 consecutive bases within chr13:100,235,847-100,235,854 gives the same sequence; the position shown is the placement nearest the transcript's 3' end. VCF-style (leftmost placement, unchanged base first): chr13-100235846-CAGA-C. GRCh37 (hg19) VCF-style: chr13-100888100-CAGA-C.
Other names: c.-259AAG[1] (NM_001352610.2, NM_001352611.2, NM_001352612.2); c.530AAG[1], p.Glu178del (NM_001127692.3, NM_001352607.2, NM_001352608.2); c.608AAG[1], p.Glu204del (NM_001178004.2, NM_001352605.2, NM_001352606.2 and 1 more transcripts); short protein forms E204del, E178del.
Identifiers: ClinVar variation 550137 (VCV000550137.4), dbSNP rs750672608, ClinGen allele CA7033295.